The following is an entry in ClinVar:

NM_003468.4(FZD5):c.446dup (p.Asp149fs)

Gene: FZD5 (frizzled class receptor 5; minus strand). Cytogenetic location: 2q33.3.
Variant type: Duplication.
Coding change: c.446dup on transcript NM_003468.4 (MANE Select); coding-DNA position 446, one base duplicated (A; older notation c.446dupA).
Protein change: p.Asp149fs; shifts the reading frame from aspartic acid 149.
Molecular consequence: frameshift variant.
Genome position (GRCh38, 1-based): chr2:207,768,294, T duplicated on the plus strand (A on the coding strand, the reverse complement: FZD5 is on the minus strand). VCF-style (leftmost placement, unchanged base first): chr2-207768293-A-AT. GRCh37 (hg19) VCF-style: chr2-208633017-A-AT.
Other names: short protein forms D149fs.
Identifiers: ClinVar variation 1315185 (VCV001315185.2), dbSNP rs2105851861, ClinGen allele CA2573051847.

ClinVar aggregate classification (germline): Uncertain significance (1 of 4 stars; one submission).

Submission:

GeneDx
Classification: Uncertain significance. Last evaluated: 2020-01-28. Review status: criteria provided, single submitter. Criteria: GeneDx Variant Classification Process June 2021. Collection method: clinical testing. Allele origin: germline. Affected: yes.
Comment: Not observed in large population cohorts (Lek et al., 2016); Frameshift variant predicted to result in protein truncation as the last 437 amino acids are lost and replaced with 119 incorrect amino acids, although loss-of-function variants have not been reported downstream of this position in the protein; Has not been previously published as pathogenic or benign to our knowledge; Variants in candidate genes are classified as variants of uncertain significance in accordance with ACMG guidelines (Richards et al., 2015)